The following is an entry in ClinVar:

ClinVar aggregate classification (germline): Pathogenic/Likely pathogenic. Review status: criteria provided, multiple submitters, no conflicts (2 of 4 stars). 3 submissions from 3 submitters: Pathogenic (2); Likely pathogenic (1). Last evaluated 2026-06-02.

Conditions:
Bilateral frontoparietal polymicrogyria. Also called: CEREBELLAR ATAXIA WITH NEURONAL MIGRATION DEFECT; CORTICAL DYSPLASIA, COMPLEX, WITH OTHER BRAIN MALFORMATIONS 14A (BILATERAL FRONTOPARIETAL). Identifiers: Orphanet 101070, MedGen C1847352, MONDO:0011738, OMIM 606854.

Allele frequency attached by ClinVar (database versions not stated): ExAC 0.00002.
gnomAD v4.1: 5 of 1,614,156 alleles (0.00031%); highest among the groups gnomAD compares: African/African-American, 0.0013%; no homozygotes.

Submissions (3):

Women's Health and Genetics/Laboratory Corporation of America, LabCorp
Classification: Pathogenic for Bilateral frontoparietal polymicrogyria. Last evaluated: 2026-06-02. Review status: criteria provided, single submitter. Criteria: LabCorp Variant Classification Summary - May 2015. Collection method: clinical testing. Allele origin: germline.
Comment: Variant summary: ADGRG1 c.429G>A (p.Trp143X) results in a premature termination codon, predicted to cause a truncation of the encoded protein or absence of the protein due to nonsense mediated decay, which are commonly known mechanisms for disease. The variant allele was found at a frequency of 8e-06 in 251274 control chromosomes (gnomAD). c.429G>A has been observed in an individual(s) affected with Polymicrogyria, Bilateral Frontoparietal (Quattrocchi_2013). The following publication has been ascertained in the context of this evaluation (PMID: 23274687). ClinVar contains an entry for this variant (Variation ID: 2627974). Based on the evidence outlined above, the variant was classified as pathogenic.

Natera, Inc.
Classification: Pathogenic for Bilateral frontoparietal polymicrogyria. Last evaluated: 2024-03-28. Review status: criteria provided, single submitter. Criteria: Natera Variant Classification Schema (03/2026). Collection method: clinical testing. Allele origin: germline.
Comment: The c.429G>A variant in ADGRG1 is a nonsense variant predicted to introduce a stop codon at amino acid 143. This variant is expected to result in nonsense mediated decay, truncation, or a dysfunctional protein product. This variant is rare in the general population with a frequency below the threshold expected for the associated phenotype(s). This variant has been observed in one or more individuals affected with the associated recessive disease, as either homozygous or compound heterozygous with a second variant (PMID: 23274687). Given the available evidence, this variant is classified as Pathogenic.

Neuberg Centre For Genomic Medicine, NCGM
Classification: Likely pathogenic for Bilateral frontoparietal polymicrogyria. Review status: criteria provided, single submitter. Criteria: ACMG Guidelines, 2015. Collection method: clinical testing. Allele origin: germline. Inheritance: Autosomal recessive inheritance. Affected: yes.
Comment: The stop gained variant c.429G>A (p.Trp143Ter) in ADGRG1 has not been reported previously as a pathogenic variant nor as a benign variant, to our knowledge. The c.429G>A variant is novel (not in any individuals) in 1000 Genomes and allele frequency of 0.0008% is reported in gnomAD. The nucleotide change c.429G>A in ADGRG1 is predicted as conserved by GERP++ and PhyloP across 100 vertebrates. This variant is predicted to cause loss of normal protein function through protein truncation. Loss of function variants have been previously reported to be disease causing. For these reasons, this variant has been classified as Likely Pathogenic .

Literature cited by the submitters: PubMed 23274687 (cited by Women's Health and Genetics/Laboratory Corporation of America, LabCorp and Natera, Inc.).

NM_201525.4(ADGRG1):c.429G>A (p.Trp143Ter)

Gene: ADGRG1 (adhesion G protein-coupled receptor G1; plus strand). Cytogenetic location: 16q21.
Variant type: single nucleotide variant.
Coding change: c.429G>A on transcript NM_201525.4 (MANE Select); coding-DNA position 429, G replaced by A.
Protein change: p.Trp143Ter; replaces tryptophan 143 with a stop codon.
Molecular consequence: nonsense. On other transcripts: intron variant (1), 5 prime UTR variant (5).
Genome position (GRCh38, 1-based): chr16:57,651,564, G>A. VCF-style: chr16-57651564-G-A. GRCh37 (hg19) VCF-style: chr16-57685476-G-A.
Other names: c.110+319G>A (NM_001290142.2); c.429G>A, p.Trp143Ter (NM_001145770.3, NM_001145771.3, NM_001145772.3 and 16 more transcripts); c.444G>A, p.Trp148Ter (NM_001145773.3, NM_001370433.1); c.-97G>A (NM_001290143.2, NM_001290144.2, NM_001370451.1 and 2 more transcripts); c.273G>A, p.Trp91Ter (NM_001370442.1); c.429G>A (NM_005682.6); short protein forms W143*, W148*, W91*.
Identifiers: ClinVar variation 2627974 (VCV002627974.3), dbSNP rs755004355, ClinGen allele CA8078359.